The following is an entry in ClinVar:

NM_139057.4(ADAMTS17):c.73G>A (p.Gly25Ser)

Gene: ADAMTS17 (ADAM metallopeptidase with thrombospondin type 1 motif 17; minus strand). Cytogenetic location: 15q26.3.
Variant type: single nucleotide variant.
Coding change: c.73G>A on transcript NM_139057.4 (MANE Select); coding-DNA position 73, G replaced by A.
Protein change: p.Gly25Ser; replaces glycine 25 with serine.
Molecular consequence: missense variant.
Genome position (GRCh38, 1-based): chr15:100,341,827, C>T on the plus strand (G>A on the coding strand, the complement: ADAMTS17 is on the minus strand). VCF-style: chr15-100341827-C-T. GRCh37 (hg19) VCF-style: chr15-100882032-C-T.
Other names: short protein forms G25S.
Identifiers: ClinVar variation 4715204 (VCV004715204.1).

ClinVar aggregate classification (germline): Uncertain significance (1 of 4 stars; one submission).

Submission:

Labcorp Genetics (formerly Invitae), Labcorp
Classification: Uncertain significance. Last evaluated: 2025-03-22. Review status: criteria provided, single submitter. Criteria: Invitae Variant Classification Sherloc (09022015). Collection method: clinical testing. Allele origin: germline.
Comment: This sequence change replaces glycine, which is neutral and non-polar, with serine, which is neutral and polar, at codon 25 of the ADAMTS17 protein (p.Gly25Ser). This variant is not present in population databases (gnomAD no frequency). This variant has not been reported in the literature in individuals affected with ADAMTS17-related conditions. An algorithm developed to predict the effect of missense changes on protein structure and function outputs the following: PolyPhen-2: "Probably Damaging". The serine amino acid residue is found in multiple mammalian species, which suggests that this missense change does not adversely affect protein function. In summary, the available evidence is currently insufficient to determine the role of this variant in disease. Therefore, it has been classified as a Variant of Uncertain Significance.